The following is an entry in ClinVar:

ClinVar aggregate classification (germline): Conflicting classifications of pathogenicity. Review status: criteria provided, conflicting classifications (1 of 4 stars). 4 submissions from 4 submitters: Likely pathogenic (3); Uncertain significance (1). Last evaluated 2025-04-10.

Conditions:
Progressive sclerosing poliodystrophy (MTDPS4A). Also called: ALPERS PROGRESSIVE INFANTILE POLIODYSTROPHY; NEURONAL DEGENERATION OF CHILDHOOD WITH LIVER DISEASE, PROGRESSIVE; Mitochondrial DNA Depletion Syndrome 4A; Alpers-Huttenlocher Syndrome (AHS); Alpers Syndrome; ALPERS DIFFUSE DEGENERATION OF CEREBRAL GRAY MATTER WITH HEPATIC CIRRHOSIS. Identifiers: Orphanet 726, MedGen C0205710, MONDO:0008758, OMIM 203700.

gnomAD v4.1: 2 of 1,614,238 alleles (0.00012%); highest among the groups gnomAD compares: Non-Finnish European, 0.00017%; no homozygotes.

Submissions (4):

Women's Health and Genetics/Laboratory Corporation of America, LabCorp
Classification: Uncertain significance. Last evaluated: 2025-04-10. Review status: criteria provided, single submitter. Criteria: LabCorp Variant Classification Summary - May 2015. Collection method: clinical testing. Allele origin: germline.
Comment: Variant summary: POLG c.3328C>T (p.His1110Tyr) results in a conservative amino acid change in the encoded protein sequence. Four of five in-silico tools predict a damaging effect of the variant on protein function. The variant was absent in 251452 control chromosomes. c.3328C>T has been observed in individual(s) affected with Mitochondrial DNA Depletion Syndrome - POLG Related and Parkinsonism (Taanman_2009, Gui_2015). These data indicate that the variant may be associated with disease. To our knowledge, no experimental evidence demonstrating an impact on protein function has been reported. The following publications have been ascertained in the context of this evaluation (PMID: 18828154, 25585994). ClinVar contains an entry for this variant (Variation ID: 1517151). Based on the evidence outlined above, the variant was classified as VUS-possibly pathogenic.

Victorian Clinical Genetics Services, Murdoch Childrens Research Institute
Classification: Likely pathogenic for Progressive sclerosing poliodystrophy. Last evaluated: 2024-10-10. Review status: criteria provided, single submitter. Criteria: ACMG Guidelines, 2015. Collection method: clinical testing. Allele origin: germline. Inheritance: Autosomal recessive inheritance.
Comment: Based on the classification scheme VCGS_Germline_v1.3.5, this variant is classified as Likely pathogenic. Following criteria are met: 0102 - Loss of function is a known mechanism of disease in this gene and is associated with POLG-related mitochondrial disorders. (I) 0108 - This gene is associated with both recessive and dominant disease. Variants in this gene predominantly cause recessive disease however, progressive external ophthalmoplegia can also be dominantly inherited (OMIM). (I) 0112 - Autosomal dominant progressive external ophthalmoplegia associated with this gene has incomplete penetrance (OMIM). (I) 0200 - Variant is predicted to result in a missense amino acid change from histidine to tyrosine. (I) 0251 - This variant is heterozygous. (I) 0304 - Variant is present in gnomAD <0.01 (v4: 2 heterozygotes, 0 homozygotes). (SP) 0309 - An alternative amino acid change at the same position has been observed in gnomAD (v4; 1 heterozygote, 0 homozygotes). (I) 0501 - Missense variant consistently predicted to be damaging by multiple in silico tools or highly conserved with a major amino acid change. (SP) 0600 - Variant is located in the annotated polymerase domain (NCBI Gene). (I) 0802 - This variant has moderate previous evidence of pathogenicity in unrelated individuals. It has been reported as likely pathogenic by two clinical laboratories (ClinVar). In addition, it has been observed in an individual with mtDNA depletion syndrome (PMID: 18828154). (SP) 0905 - No published segregation evidence has been identified for this variant. (I) 1007 - No published functional evidence has been identified for this variant. (I) 0704 - Another missense variant comparable to the one identified in this case has limited previous evidence for pathogenicity. p.His1110Asn has been reported as likely pathogenic by a clinical laboratory (ClinVar). (SP) Legend: (SP) - Supporting pathogenic, (I) - Information, (SB) - Supporting benign

Baylor Genetics
Classification: Likely pathogenic for Progressive sclerosing poliodystrophy. Last evaluated: 2024-03-19. Review status: criteria provided, single submitter. Criteria: ACMG Guidelines, 2015. Collection method: clinical testing. Allele origin: unknown.

Labcorp Genetics (formerly Invitae), Labcorp
Classification: Likely pathogenic for Progressive sclerosing poliodystrophy. Last evaluated: 2023-10-16. Review status: criteria provided, single submitter. Criteria: Invitae Variant Classification Sherloc (09022015). Collection method: clinical testing. Allele origin: germline.
Comment: This sequence change replaces histidine, which is basic and polar, with tyrosine, which is neutral and polar, at codon 1110 of the POLG protein (p.His1110Tyr). This variant is not present in population databases (gnomAD no frequency). This missense change has been observed in individual(s) with clinical features of autosomal recessive mitochondrial depletion syndrome and/or Parkinson disease (PMID: 18828154, 25585994). In at least one individual the data is consistent with being in trans (on the opposite chromosome) from a pathogenic variant. ClinVar contains an entry for this variant (Variation ID: 1517151). Advanced modeling of protein sequence and biophysical properties (such as structural, functional, and spatial information, amino acid conservation, physicochemical variation, residue mobility, and thermodynamic stability) performed at Invitae indicates that this missense variant is expected to disrupt POLG protein function. In summary, the currently available evidence indicates that the variant is pathogenic, but additional data are needed to prove that conclusively. Therefore, this variant has been classified as Likely Pathogenic.

Literature cited by the submitters: PubMed 25585994 (cited by Women's Health and Genetics/Laboratory Corporation of America, LabCorp and Labcorp Genetics (formerly Invitae), Labcorp); PubMed 18828154 (cited by 3 submitters).

NM_002693.3(POLG):c.3328C>T (p.His1110Tyr)

Gene: POLG (DNA polymerase gamma, catalytic subunit; minus strand). Cytogenetic location: 15q26.1.
Variant type: single nucleotide variant.
Coding change: c.3328C>T on transcript NM_002693.3 (MANE Select); coding-DNA position 3328, C replaced by T.
Protein change: p.His1110Tyr; replaces histidine 1110 with tyrosine.
Molecular consequence: missense variant.
Genome position (GRCh38, 1-based): chr15:89,318,695, G>A on the plus strand (C>T on the coding strand, the complement: POLG is on the minus strand). VCF-style: chr15-89318695-G-A. GRCh37 (hg19) VCF-style: chr15-89861926-G-A.
Other names: c.3328C>T, p.His1110Tyr (NM_001126131.2); c.3328C>T (NM_002693.2); short protein forms H1110Y.
Identifiers: ClinVar variation 1517151 (VCV001517151.12), dbSNP rs2152058760, ClinGen allele CA393749974.
Genomic context (GRCh38, chr15:89,318,695, plus strand): 5'-AGAAGCGCCCATCTATGGCAAACTCTTCAAACAGCCACTTCATGGCCACAAGCATGAGGT[G>A]TAAGTAGTCAACAGCAGAGCTCTGTACCACCCAATTCACACGGCTGGTCATAAACTGGGA-3'
Protein context (NP_002684.1, residues 1100-1120): VVQSSAVDYL[His1110Tyr]LMLVAMKWLF